The following is an entry in ClinVar:

NM_002811.5(PSMD7):c.78C>T (p.Ile26=)

Gene: PSMD7 (proteasome 26S subunit, non-ATPase 7; plus strand). Cytogenetic location: 16q23.1.
Variant type: single nucleotide variant.
Coding change: c.78C>T on transcript NM_002811.5 (MANE Select); coding-DNA position 78, C replaced by T.
Protein change: p.Ile26=; no amino-acid change (isoleucine 26 retained).
Molecular consequence: synonymous variant.
Genome position (GRCh38, 1-based): chr16:74,300,118, C>T. VCF-style: chr16-74300118-C-T. GRCh37 (hg19) VCF-style: chr16-74334016-C-T.
Identifiers: ClinVar variation 2646854 (VCV002646854.24), dbSNP rs140080000, ClinGen allele CA8165491.

ClinVar aggregate classification (germline): Likely benign (1 of 4 stars; one submission).

Allele frequency attached by ClinVar (database versions not stated): 1000 Genomes Project 0.00060; 1000 Genomes Project 30x 0.00062; ESP Exome Variant Server 0.00115; gnomAD 0.00141; TOPMed 0.00143; ExAC 0.00157; gnomAD exomes 0.00187.
gnomAD v4.1: 2,938 of 1,613,998 alleles (0.18%); highest among the groups gnomAD compares: South Asian, 0.31%; 13 homozygotes.

Submission:

CeGaT Center for Human Genetics Tuebingen
Classification: Likely benign. Last evaluated: 2022-05-01. Review status: criteria provided, single submitter. Criteria: CeGaT Center For Human Genetics Tuebingen Variant Classification Criteria Version 2. Collection method: clinical testing. Allele origin: germline. Affected: yes. Observed: 1 variant allele.
Comment: PSMD7: BP4, BP7